The following is an entry in ClinVar:

NM_000152.5(GAA):c.2735C>T (p.Ala912Val)

Gene: GAA (alpha glucosidase; plus strand). Cytogenetic location: 17q25.3.
Variant type: single nucleotide variant.
Coding change: c.2735C>T on transcript NM_000152.5 (MANE Select); coding-DNA position 2735, C replaced by T.
Protein change: p.Ala912Val; replaces alanine 912 with valine.
Molecular consequence: missense variant.
Genome position (GRCh38, 1-based): chr17:80,118,741, C>T. VCF-style: chr17-80118741-C-T. GRCh37 (hg19) VCF-style: chr17-78092540-C-T.
Other names: c.2735C>T, p.Ala912Val (NM_001079803.3, NM_001079804.3); short protein forms A912V.
Identifiers: ClinVar variation 1411931 (VCV001411931.5), dbSNP rs778874712, ClinGen allele CA8815841.

ClinVar aggregate classification (germline): Uncertain significance (1 of 4 stars; one submission).

Conditions:
Glycogen storage disease, type II (IOPD). Also called: Glucosidase acid-1,4-alpha deficiency; POMPE DISEASE, INFANTILE-ONSET; GLYCOGEN STORAGE DISEASE II, INFANTILE-ONSET; ACID ALPHA-GLUCOSIDASE DEFICIENCY, INFANTILE-ONSET; GAA DEFICIENCY, INFANTILE-ONSET; ACID MALTASE DEFICIENCY, INFANTILE-ONSET. Identifiers: Orphanet 365, MedGen C0017921, MONDO:0009290, OMIM 232300.

Allele frequency attached by ClinVar (database versions not stated): TOPMed below 0.00001; ExAC 0.00001; gnomAD 0.00001; gnomAD exomes 0.00001.
gnomAD v4.1: 14 of 1,613,292 alleles (0.00087%); highest among the groups gnomAD compares: Non-Finnish European, 0.0012%; no homozygotes.

Submission:

Labcorp Genetics (formerly Invitae), Labcorp
Classification: Uncertain significance for Glycogen storage disease, type II. Last evaluated: 2025-12-29. Review status: criteria provided, single submitter. Criteria: Invitae Variant Classification Sherloc (09022015). Collection method: clinical testing. Allele origin: germline.
Comment: This sequence change replaces alanine, which is neutral and non-polar, with valine, which is neutral and non-polar, at codon 912 of the GAA protein (p.Ala912Val). The frequency data for this variant in the population databases is considered unreliable, as metrics indicate poor data quality at this position in the gnomAD database. This variant has not been reported in the literature in individuals affected with GAA-related conditions. ClinVar contains an entry for this variant (Variation ID: 1411931). Invitae Evidence Modeling of protein sequence and biophysical properties (such as structural, functional, and spatial information, amino acid conservation, physicochemical variation, residue mobility, and thermodynamic stability) indicates that this missense variant is not expected to disrupt GAA protein function with a negative predictive value of 95%. In summary, the available evidence is currently insufficient to determine the role of this variant in disease. Therefore, it has been classified as a Variant of Uncertain Significance.